The following is an entry in ClinVar:

NM_005393.3(PLXNB3):c.4003A>T (p.Thr1335Ser)

Gene: PLXNB3 (plexin B3; plus strand). Cytogenetic location: Xq28.
Variant type: single nucleotide variant.
Coding change: c.4003A>T on transcript NM_005393.3 (MANE Select); coding-DNA position 4003, A replaced by T.
Protein change: p.Thr1335Ser; replaces threonine 1335 with serine.
Molecular consequence: missense variant.
Genome position (GRCh38, 1-based): chrX:153,774,951, A>T. VCF-style: chrX-153774951-A-T. GRCh37 (hg19) VCF-style: chrX-153040406-A-T.
Other names: c.4072A>T, p.Thr1358Ser (NM_001163257.2); short protein forms T1335S, T1358S.
Identifiers: ClinVar variation 3046900 (VCV003046900.2), dbSNP rs138971273, ClinGen allele CA10551488.

ClinVar aggregate classification (germline): Likely benign (0 of 4 stars; one submission).

Conditions:
PLXNB3-related disorder. Also called: PLXNB3-related condition.

Allele frequency attached by ClinVar (database versions not stated): gnomAD exomes 0.00014; ExAC 0.00045; 1000 Genomes Project 30x 0.00125; 1000 Genomes Project 0.00132; TOPMed 0.00168; gnomAD 0.00170; ESP Exome Variant Server 0.00199.
gnomAD v4.1: 362 of 1,190,881 alleles (0.03%); highest among the groups gnomAD compares: African/African-American, 0.5%; 2 homozygotes.

Submission:

PreventionGenetics, part of Exact Sciences
Classification: Likely benign for PLXNB3-related condition. Last evaluated: 2022-07-06. Review status: no assertion criteria provided. Collection method: clinical testing. Allele origin: germline.
Comment: This variant is classified as likely benign based on ACMG/AMP sequence variant interpretation guidelines (Richards et al. 2015 PMID: 25741868, with internal and published modifications).